The following is an entry in ClinVar:

NM_001999.4(FBN2):c.5928G>C (p.Glu1976Asp)

Gene: FBN2 (fibrillin 2; minus strand). Cytogenetic location: 5q23.3.
Variant type: single nucleotide variant.
Coding change: c.5928G>C on transcript NM_001999.4 (MANE Select); coding-DNA position 5928, G replaced by C.
Protein change: p.Glu1976Asp; replaces glutamic acid 1976 with aspartic acid.
Molecular consequence: missense variant.
Genome position (GRCh38, 1-based): chr5:128,301,500, C>G on the plus strand (G>C on the coding strand, the complement: FBN2 is on the minus strand). VCF-style: chr5-128301500-C-G. GRCh37 (hg19) VCF-style: chr5-127637192-C-G.
Other names: short protein forms E1976D.
Identifiers: ClinVar variation 4809019 (VCV004809019.1).

ClinVar aggregate classification (germline): Uncertain significance (1 of 4 stars; one submission).

Conditions:
Congenital contractural arachnodactyly (CCA). Also called: BEALS SYNDROME; Arthrogryposis, distal, type 9; Beals-Hecht syndrome. Identifiers: Orphanet 115, MedGen C0220668, MONDO:0007363, OMIM 121050.

Submission:

Labcorp Genetics (formerly Invitae), Labcorp
Classification: Uncertain significance for Congenital contractural arachnodactyly. Last evaluated: 2025-02-10. Review status: criteria provided, single submitter. Criteria: Invitae Variant Classification Sherloc (09022015). Collection method: clinical testing. Allele origin: germline.
Comment: This sequence change replaces glutamic acid, which is acidic and polar, with aspartic acid, which is acidic and polar, at codon 1976 of the FBN2 protein (p.Glu1976Asp). This variant is not present in population databases (gnomAD no frequency). This variant has not been reported in the literature in individuals affected with FBN2-related conditions. Invitae Evidence Modeling of protein sequence and biophysical properties (such as structural, functional, and spatial information, amino acid conservation, physicochemical variation, residue mobility, and thermodynamic stability) indicates that this missense variant is expected to disrupt FBN2 protein function with a positive predictive value of 80%. Algorithms developed to predict the effect of sequence changes on RNA splicing suggest that this variant may create or strengthen a splice site. In summary, the available evidence is currently insufficient to determine the role of this variant in disease. Therefore, it has been classified as a Variant of Uncertain Significance.